The following is an entry in ClinVar:

NM_014856.3(DENND4B):c.1318C>G (p.Leu440Val)

Gene: DENND4B (DENN domain containing 4B; minus strand). Cytogenetic location: 1q21.3.
Variant type: single nucleotide variant.
Coding change: c.1318C>G on transcript NM_014856.3 (MANE Select); coding-DNA position 1318, C replaced by G.
Protein change: p.Leu440Val; replaces leucine 440 with valine.
Molecular consequence: missense variant.
Genome position (GRCh38, 1-based): chr1:153,940,912, G>C on the plus strand (C>G on the coding strand, the complement: DENND4B is on the minus strand). VCF-style: chr1-153940912-G-C. GRCh37 (hg19) VCF-style: chr1-153913388-G-C.
Other names: c.1351C>G, p.Leu451Val (NM_001367466.1); short protein forms L440V, L451V.
Identifiers: ClinVar variation 2633376 (VCV002633376.1), dbSNP rs2525777850, ClinGen allele CA342566430.

ClinVar aggregate classification (germline): Uncertain significance (1 of 4 stars; one submission).

Conditions:
DENND4B-related disorder. Also called: DENND4B-related condition.

Submission:

PreventionGenetics, part of Exact Sciences
Classification: Uncertain significance for DENND4B-related condition. Last evaluated: 2023-03-22. Review status: criteria provided, single submitter. Criteria: ACMG Guidelines, 2015. Collection method: clinical testing. Allele origin: germline.
Comment: The DENND4B c.1318C>G variant is predicted to result in the amino acid substitution p.Leu440Val. To our knowledge, this variant has not been reported in the literature or in a large population database, indicating this variant is rare. At this time, the clinical significance of this variant is uncertain due to the absence of conclusive functional and genetic evidence.